The following is an entry in ClinVar:

ClinVar aggregate classification (germline): Uncertain significance (1 of 4 stars; one submission).

Conditions:
Familial cancer of breast. Also called: hereditary breast carcinoma; Hereditary breast cancer; BREAST CANCER, FAMILIAL. Identifiers: Orphanet 227535, MedGen C0346153, MONDO:0016419, OMIM 114480. Disease mechanism: loss of function.

Submission:

Labcorp Genetics (formerly Invitae), Labcorp
Classification: Uncertain significance for Familial cancer of breast. Last evaluated: 2023-11-01. Review status: criteria provided, single submitter. Criteria: Invitae Variant Classification Sherloc (09022015). Collection method: clinical testing. Allele origin: germline.
Comment: This sequence change replaces alanine, which is neutral and non-polar, with threonine, which is neutral and polar, at codon 262 of the BARD1 protein (p.Ala262Thr). This variant is not present in population databases (gnomAD no frequency). This variant has not been reported in the literature in individuals affected with BARD1-related conditions. An algorithm developed to predict the effect of missense changes on protein structure and function (PolyPhen-2) suggests that this variant is likely to be tolerated. In summary, the available evidence is currently insufficient to determine the role of this variant in disease. Therefore, it has been classified as a Variant of Uncertain Significance.

NM_000465.4(BARD1):c.784G>A (p.Ala262Thr)

Gene: BARD1 (BRCA1 associated RING domain 1; minus strand). Cytogenetic location: 2q35.
Variant type: single nucleotide variant.
Coding change: c.784G>A on transcript NM_000465.4 (MANE Select); coding-DNA position 784, G replaced by A.
Protein change: p.Ala262Thr; replaces alanine 262 with threonine.
Molecular consequence: missense variant. On other transcripts: non-coding transcript variant (2), intron variant (3).
Genome position (GRCh38, 1-based): chr2:214,781,090, C>T on the plus strand (G>A on the coding strand, the complement: BARD1 is on the minus strand). VCF-style: chr2-214781090-C-T. GRCh37 (hg19) VCF-style: chr2-215645814-C-T.
Other names: c.727G>A, p.Ala243Thr (NM_001282543.2); c.158+28322G>A (NM_001282548.2); c.215+15971G>A (NM_001282545.2); c.364+11207G>A (NM_001282549.2); short protein forms A243T, A262T.
Identifiers: ClinVar variation 2807177 (VCV002807177.3), dbSNP rs2106110464, ClinGen allele CA350455773.